The following is an entry in ClinVar:

NM_004329.3(BMPR1A):c.441del (p.Phe147fs)

Gene: BMPR1A (bone morphogenetic protein receptor type 1A; plus strand). Cytogenetic location: 10q23.2.
Variant type: Deletion.
Coding change: c.441del on transcript NM_004329.3 (MANE Select); coding-DNA position 441, one base deleted (T; older notation c.441delT).
Protein change: p.Phe147fs; shifts the reading frame from phenylalanine 147.
Molecular consequence: frameshift variant.
Genome position (GRCh38, 1-based): chr10:86,900,037, T deleted; the last of 6 consecutive T bases (chr10:86,900,032-86,900,037); deleting any one gives the same sequence. VCF-style (leftmost placement, unchanged base first): chr10-86900031-GT-G. GRCh37 (hg19) VCF-style: chr10-88659788-GT-G.
Other names: short protein forms F147fs.
Identifiers: ClinVar variation 2583194 (VCV002583194.2), dbSNP rs762900005, ClinGen allele CA5585524.

ClinVar aggregate classification (germline): Pathogenic (1 of 4 stars; one submission).

Conditions:
Juvenile polyposis syndrome (JPS). Identifiers: Orphanet 2929, MedGen C0345893, MONDO:0017380, OMIM 174900.

Submission:

Myriad Genetics, Inc.
Classification: Pathogenic for Juvenile polyposis syndrome. Last evaluated: 2023-05-26. Review status: criteria provided, single submitter. Criteria: Myriad Autosomal Dominant, Autosomal Recessive and X-Linked Classification Criteria (2023). Collection method: clinical testing. Allele origin: unknown.
Comment: This variant is considered pathogenic. This variant creates a frameshift predicted to result in premature protein truncation.